The following is an entry in ClinVar:

NM_138927.4(SON):c.6097A>G (p.Ile2033Val)

Gene: SON (SON DNA and RNA binding protein; plus strand). Cytogenetic location: 21q22.11.
Variant type: single nucleotide variant.
Coding change: c.6097A>G on transcript NM_138927.4 (MANE Select); coding-DNA position 6097, A replaced by G.
Protein change: p.Ile2033Val; replaces isoleucine 2033 with valine.
Molecular consequence: missense variant. On other transcripts: non-coding transcript variant (1), intron variant (1).
Genome position (GRCh38, 1-based): chr21:33,555,328, A>G. VCF-style: chr21-33555328-A-G. GRCh37 (hg19) VCF-style: chr21-34927634-A-G.
Other names: c.6097A>G, p.Ile2033Val (NM_001291411.2, NM_001412133.1, NM_032195.3 and 2 more transcripts); c.245-1828A>G (NM_001291412.3); short protein forms I2033V.
Identifiers: ClinVar variation 1921854 (VCV001921854.6), dbSNP rs376444685, ClinGen allele CA10009878.

ClinVar aggregate classification (germline): Conflicting classifications of pathogenicity. Review status: criteria provided, conflicting classifications (1 of 4 stars). 2 submissions from 2 submitters: Uncertain significance (1); Benign (1). Last evaluated 2025-10-09.

Allele frequency attached by ClinVar (database versions not stated): gnomAD exomes 0.00001; ExAC 0.00003; ESP Exome Variant Server 0.00008; TOPMed 0.00010; gnomAD 0.00011.
gnomAD v4.1: 27 of 1,603,352 alleles (0.0017%); highest among the groups gnomAD compares: African/African-American, 0.027%; no homozygotes.

Submissions (2):

Women's Health and Genetics/Laboratory Corporation of America, LabCorp
Classification: Uncertain significance. Last evaluated: 2025-10-09. Review status: criteria provided, single submitter. Criteria: LabCorp Variant Classification Summary - May 2015. Collection method: clinical testing. Allele origin: germline.
Comment: Variant summary: SON c.6097A>G (p.Ile2033Val) results in a conservative amino acid change in the encoded protein sequence. Algorithms developed to predict the effect of missense changes on protein structure and function all suggest that this variant is likely to be tolerated. The variant allele was found at a frequency of 1.2e-05 in 241866 control chromosomes. The available data on variant occurrences in the general population are insufficient to allow any conclusion about variant significance. To our knowledge, no occurrence of c.6097A>G in individuals affected with SON-related conditions and no experimental evidence demonstrating its impact on protein function have been reported. ClinVar contains an entry for this variant (Variation ID: 1921854). Based on the evidence outlined above, the variant was classified as uncertain significance.

Labcorp Genetics (formerly Invitae), Labcorp
Classification: Benign. Last evaluated: 2025-04-21. Review status: criteria provided, single submitter. Criteria: Invitae Variant Classification Sherloc (09022015). Collection method: clinical testing. Allele origin: germline.